The following is an entry in ClinVar:

ClinVar aggregate classification (germline): Benign. Review status: criteria provided, multiple submitters, no conflicts (2 of 4 stars). 2 submissions from 2 submitters: Benign (2). Last evaluated 2018-01-13.

Conditions:
CBL-related disorder. Also called: NOONAN SYNDROME-LIKE DISORDER WITHOUT JUVENILE MYELOMONOCYTIC LEUKEMIA; CBL MUTATION-ASSOCIATED SYNDROME; CBL SYNDROME. Identifiers: Orphanet 363972, MedGen C3150803, MONDO:0013308, OMIM 613563.

Allele frequency attached by ClinVar (database versions not stated): gnomAD exomes 0.04637; 1000 Genomes Project 30x 0.05184; gnomAD 0.05209 and 0.05229; TOPMed 0.05215; 1000 Genomes Project 0.05232.
gnomAD v4.1: 11,703 of 233,694 alleles (5%); highest among the groups gnomAD compares: African/African-American, 7.4%; 335 homozygotes.

Submissions (2):

Illumina Laboratory Services, Illumina
Classification: Benign for CBL-related disorder. Last evaluated: 2018-01-13. Review status: criteria provided, single submitter. Criteria: ICSL Variant Classification Criteria 13 December 2019. Collection method: clinical testing. Allele origin: germline.
Comment: This variant was observed in the ICSL laboratory as part of a predisposition screen in an ostensibly healthy population. It had not been previously curated by ICSL or reported in the Human Gene Mutation Database (HGMD: prior to June 1st, 2018), and was therefore a candidate for classification through an automated scoring system. Utilizing variant allele frequency, disease prevalence and penetrance estimates, and inheritance mode, an automated score was calculated to assess if this variant is too frequent to cause the disease. Based on the score and internal cut-off values, a variant classified as benign is not then subjected to further curation. The score for this variant resulted in a classification of benign for this disease.

Breakthrough Genomics
Classification: Benign. Review status: criteria provided, single submitter. Criteria: ACMG Guidelines, 2015. Collection method: not provided. Allele origin: germline. Inheritance: Autosomal dominant inheritance. Affected: yes.

NM_005188.4(CBL):c.*4085C>G

Gene: CBL (Cbl proto-oncogene; plus strand). Cytogenetic location: 11q23.3.
Variant type: single nucleotide variant.
Coding change: c.*4085C>G on transcript NM_005188.4 (MANE Select); 4085 bases downstream of the stop codon, C replaced by G.
Molecular consequence: 3 prime UTR variant.
Genome position (GRCh38, 1-based): chr11:119,303,866, C>G. VCF-style: chr11-119303866-C-G. GRCh37 (hg19) VCF-style: chr11-119174576-C-G.
Identifiers: ClinVar variation 302844 (VCV000302844.6), dbSNP rs11604328, ClinGen allele CA10637909.